The following is an entry in ClinVar:

NM_024589.3(ROGDI):c.149C>G (p.Ser50Cys)

Gene: ROGDI (rogdi atypical leucine zipper; minus strand). Cytogenetic location: 16p13.3.
Variant type: single nucleotide variant.
Coding change: c.149C>G on transcript NM_024589.3 (MANE Select); coding-DNA position 149, C replaced by G.
Protein change: p.Ser50Cys; replaces serine 50 with cysteine.
Molecular consequence: missense variant. On other transcripts: non-coding transcript variant (1).
Genome position (GRCh38, 1-based): chr16:4,801,554, G>C on the plus strand (C>G on the coding strand, the complement: ROGDI is on the minus strand). VCF-style: chr16-4801554-G-C. GRCh37 (hg19) VCF-style: chr16-4851555-G-C.
Other names: short protein forms S50C.
Identifiers: ClinVar variation 1355208 (VCV001355208.8), dbSNP rs2082719118, ClinGen allele CA394655379.
Genomic context (GRCh38, chr16:4,801,554, plus strand): 5'-CAGGCTCACCCACAGCTGCCTAGGATGAAGTTCTCTTGCTTGGCGGGCCCCTCAGTGCCG[G>C]AGCCCGGCAGAGTGAAGCGCAGAGAGGCCTCCTGTGGAACAGAGGGAAGGAGGGGAGCTG-3'
Protein context (NP_078865.1, residues 40-60): EASLRFTLPG[Ser50Cys]GTEGPAKQEN

ClinVar aggregate classification (germline): Uncertain significance (1 of 4 stars; one submission).

Conditions:
Amelocerebrohypohidrotic syndrome (KTZS). Also called: KOHLSCHUTTER SYNDROME; Kohlschutter's syndrome; EPILEPSY AND YELLOW TEETH; EPILEPSY, DEMENTIA, AND AMELOGENESIS IMPERFECTA. Identifiers: Orphanet 1946, MedGen C0406740, MONDO:0009185, OMIM 226750.

Allele frequency attached by ClinVar (database versions not stated): TOPMed below 0.00001; gnomAD 0.00001.

Submission:

Labcorp Genetics (formerly Invitae), Labcorp
Classification: Uncertain significance for Amelocerebrohypohidrotic syndrome. Last evaluated: 2022-02-03. Review status: criteria provided, single submitter. Criteria: Invitae Variant Classification Sherloc (09022015). Collection method: clinical testing. Allele origin: germline.
Comment: In summary, the available evidence is currently insufficient to determine the role of this variant in disease. Therefore, it has been classified as a Variant of Uncertain Significance. Algorithms developed to predict the effect of missense changes on protein structure and function are either unavailable or do not agree on the potential impact of this missense change (SIFT: "Tolerated"; PolyPhen-2: "Possibly Damaging"; Align-GVGD: "Class C0"). This variant has not been reported in the literature in individuals affected with ROGDI-related conditions. This variant is not present in population databases (gnomAD no frequency). This sequence change replaces serine, which is neutral and polar, with cysteine, which is neutral and slightly polar, at codon 50 of the ROGDI protein (p.Ser50Cys).